The following is an entry in ClinVar:

ClinVar aggregate classification (germline): Uncertain significance. Review status: criteria provided, multiple submitters, no conflicts (2 of 4 stars). 3 submissions from 3 submitters: Uncertain significance (3). Last evaluated 2025-06-07.

Conditions:
Inborn genetic diseases. Identifiers: MedGen C0950123, MeSH D030342.
Frasier syndrome. Identifiers: Orphanet 347, MedGen C0950122, MeSH D052159, MONDO:0007635, OMIM 136680.
Wilms tumor 1 (WT1). Also called: Wilms tumor, somatic. Identifiers: Orphanet 654, MedGen CN033288, MONDO:0008679, OMIM 194070.
11p partial monosomy syndrome (WAGR). Also called: WAGR Complex; CHROMOSOME 11p13 DELETION SYNDROME; WAGR syndrome; WAGR Spectrum Disorder. Identifiers: Orphanet 893, MedGen C0206115, MONDO:0008681, OMIM 194072.
Drash syndrome (DDS). Also called: NEPHROPATHY, WILMS TUMOR, AND GENITAL ANOMALIES; WILMS TUMOR AND PSEUDO- OR TRUE HERMAPHRODITISM. Identifiers: Orphanet 220, MedGen C0950121, MONDO:0008682, OMIM 194080.

Allele frequency attached by ClinVar (database versions not stated): gnomAD exomes below 0.00001; TOPMed 0.00001.
gnomAD v4.1: 2 of 1,521,228 alleles (0.00013%); highest among the groups gnomAD compares: Non-Finnish European, 0.000088%; no homozygotes.

Submissions (3):

Ambry Genetics
Classification: Uncertain significance for Inborn genetic diseases. Last evaluated: 2025-06-07. Review status: criteria provided, single submitter. Criteria: Ambry Variant Classification Scheme 2023. Collection method: clinical testing. Allele origin: germline.
Comment: The p.S58R variant (also known as c.174C>A), located in coding exon 1 of the WT1 gene, results from a C to A substitution at nucleotide position 174. The serine at codon 58 is replaced by arginine, an amino acid with dissimilar properties. This amino acid position is conserved. In addition, this alteration is predicted to be tolerated by in silico analysis. Based on the available evidence, the clinical significance of this variant remains unclear.

All of Us Research Program, National Institutes of Health
Classification: Uncertain significance for Wilms tumor 1. Last evaluated: 2023-10-02. Review status: criteria provided, single submitter. Criteria: ACMG Guidelines, 2015. Collection method: clinical testing. Allele origin: germline. Inheritance: Autosomal dominant inheritance. Observed: 1 variant allele, 1 heterozygote.
Comment: This missense variant replaces serine with arginine at codon 58 of the WT1 protein. Computational prediction suggests that this variant may not impact protein structure and function (internally defined REVEL score threshold <= 0.5, PMID: 27666373). To our knowledge, functional studies have not been reported for this variant. This variant has not been reported in individuals affected with WT1-related disorders in the literature. This variant has not been identified in the general population by the Genome Aggregation Database (gnomAD). The available evidence is insufficient to determine the role of this variant in disease conclusively. Therefore, this variant is classified as a Variant of Uncertain Significance.

This study involves interpretation of variants in research participants for the purpose of population health screening. Participant phenotype was not available at the time of variant classification. Additional details can be found in publication PMID: 35346344, PMCID: PMC8962531

Labcorp Genetics (formerly Invitae), Labcorp
Classification: Uncertain significance for Wilms tumor 1; Drash syndrome; 11p partial monosomy syndrome; Frasier syndrome. Last evaluated: 2022-04-24. Review status: criteria provided, single submitter. Criteria: Invitae Variant Classification Sherloc (09022015). Collection method: clinical testing. Allele origin: germline.
Comment: In summary, the available evidence is currently insufficient to determine the role of this variant in disease. Therefore, it has been classified as a Variant of Uncertain Significance. Algorithms developed to predict the effect of missense changes on protein structure and function are either unavailable or do not agree on the potential impact of this missense change (SIFT: "Deleterious"; PolyPhen-2: "Possibly Damaging"; Align-GVGD: "Class C0"). This sequence change replaces serine, which is neutral and polar, with arginine, which is basic and polar, at codon 58 of the WT1 protein (p.Ser58Arg). This variant is not present in population databases (gnomAD no frequency). This variant has not been reported in the literature in individuals affected with WT1-related conditions. ClinVar contains an entry for this variant (Variation ID: 1057186).

NM_024426.6(WT1):c.189C>A (p.Ser63Arg)

Genes: WT1 (WT1 transcription factor; minus strand), LOC107982234 (WT1/WT1-AS bi-directional promoter region; plus strand). Cytogenetic location: 11p13.
Variant type: single nucleotide variant.
Coding change: c.189C>A on transcript NM_024426.6 (MANE Select); coding-DNA position 189, C replaced by A.
Protein change: p.Ser63Arg; replaces serine 63 with arginine.
Molecular consequence: missense variant. On other transcripts: non-coding transcript variant (1).
Genome position (GRCh38, 1-based): chr11:32,435,172, G>T on the plus strand (C>A on the coding strand, the complement: WT1 is on the minus strand). VCF-style: chr11-32435172-G-T. GRCh37 (hg19) VCF-style: chr11-32456718-G-T.
Other names: c.189C>A, p.Ser63Arg (NM_000378.6, NM_024424.5); c.174C>A (NM_024426.4); short protein forms S63R.
Identifiers: ClinVar variation 1057186 (VCV001057186.11), dbSNP rs1215127008, ClinGen allele CA379966198.